The following is an entry in ClinVar:

NM_004415.4(DSP):c.90G>A (p.Val30=)

Genes: DSP-AS1 (DSP antisense RNA 1; minus strand), DSP (desmoplakin; plus strand). Cytogenetic location: 6p24.3.
Variant type: single nucleotide variant.
Coding change: c.90G>A on transcript NM_004415.4 (MANE Select); coding-DNA position 90, G replaced by A.
Protein change: p.Val30=; no amino-acid change (valine 30 retained).
Molecular consequence: synonymous variant.
Genome position (GRCh38, 1-based): chr6:7,542,005, G>A. VCF-style: chr6-7542005-G-A. GRCh37 (hg19) VCF-style: chr6-7542238-G-A.
Other names: c.90G>A, p.Val30= (NM_001008844.3, NM_001319034.2, NM_001406591.1).
Identifiers: ClinVar variation 3069758 (VCV003069758.3), dbSNP rs2533800992, ClinGen allele CA448529313.

ClinVar aggregate classification (germline): Conflicting classifications of pathogenicity. Review status: criteria provided, conflicting classifications (1 of 4 stars). 2 submissions from 2 submitters: Uncertain significance (1); Likely benign (1). Last evaluated 2024-08-11.

Conditions:
Arrhythmogenic right ventricular dysplasia 8 (ARVD8). Also called: Arrhythmogenic Right Ventricular Dysplasia/Cardiomyopathy 8; ARRHYTHMOGENIC RIGHT VENTRICULAR DYSPLASIA, FAMILIAL, 8; ARRHYTHMOGENIC RIGHT VENTRICULAR CARDIOMYOPATHY 8. Identifiers: MedGen C1843896, MONDO:0011831, OMIM 607450.
Arrhythmogenic cardiomyopathy with wooly hair and keratoderma. Also called: Carvajal syndrome; PALMOPLANTAR KERATODERMA WITH LEFT VENTRICULAR CARDIOMYOPATHY AND WOOLLY HAIR; Dilated cardiomyopathy with woolly hair and keratoderma; Arrhythmogenic cardiomyopathy with woolly hair and keratoderma. Identifiers: Orphanet 65282, MedGen C1854063, MONDO:0011581, OMIM 605676.

Allele frequency attached by ClinVar (database versions not stated): gnomAD exomes 0.00001.
gnomAD v4.1: 9 of 1,593,630 alleles (0.00056%); highest among the groups gnomAD compares: Non-Finnish European, 0.00077%; no homozygotes.

Submissions (2):

Labcorp Genetics (formerly Invitae), Labcorp
Classification: Likely benign for Arrhythmogenic cardiomyopathy with wooly hair and keratoderma; Arrhythmogenic right ventricular dysplasia 8. Last evaluated: 2024-08-11. Review status: criteria provided, single submitter. Criteria: Invitae Variant Classification Sherloc (09022015). Collection method: clinical testing. Allele origin: germline.

All of Us Research Program, National Institutes of Health
Classification: Uncertain significance for Arrhythmogenic cardiomyopathy with wooly hair and keratoderma. Last evaluated: 2023-03-07. Review status: criteria provided, single submitter. Criteria: ACMG Guidelines, 2015. Collection method: clinical testing. Allele origin: germline. Inheritance: Autosomal dominant inheritance. Observed: 1 variant allele, 1 heterozygote.
Comment: This variant is located in the DSP protein. To our knowledge, functional studies have not been reported for this variant. This variant has not been reported in individuals affected with DSP-related disorders in the literature. This variant has not been identified in the general population by the Genome Aggregation Database (gnomAD). The available evidence is insufficient to determine the role of this variant in disease conclusively. Therefore, this variant is classified as a Variant of Uncertain Significance.

This study involves interpretation of variants in research participants for the purpose of population health screening. Participant phenotype was not available at the time of variant classification. Additional details can be found in publication PMID: 35346344, PMCID: PMC8962531